The following is an entry in ClinVar:

ClinVar aggregate classification (germline): Uncertain significance. Review status: criteria provided, multiple submitters, no conflicts (2 of 4 stars). 2 submissions from 2 submitters: Uncertain significance (2). Last evaluated 2025-03-18.

Conditions:
Holoprosencephaly 9 (HPE9). Also called: HOLOPROSENCEPHALY WITH MICROPHTHALMIA AND FIRST BRANCHIAL ARCH ANOMALIES; PITUITARY ANOMALIES WITH HOLOPROSENCEPHALY-LIKE FEATURES. Identifiers: Orphanet 2162, MedGen C1835819, MONDO:0012563, OMIM 610829.
Inborn genetic diseases. Identifiers: MedGen C0950123, MeSH D030342.

Allele frequency attached by ClinVar (database versions not stated): gnomAD 0.00001; TOPMed below 0.00001.

Submissions (2):

Ambry Genetics
Classification: Uncertain significance for Inborn genetic diseases. Last evaluated: 2025-03-18. Review status: criteria provided, single submitter. Criteria: Ambry Variant Classification Scheme 2023. Collection method: clinical testing. Allele origin: germline.

Victorian Clinical Genetics Services, Murdoch Childrens Research Institute
Classification: Uncertain significance for Holoprosencephaly 9. Last evaluated: 2019-08-28. Review status: criteria provided, single submitter. Criteria: ACMG Guidelines, 2015. Collection method: clinical testing. Allele origin: germline. Inheritance: Autosomal dominant inheritance.
Comment: A heterozygous missense variant was identified, NM_005270.4(GLI2):c.2882C>T in exon 13 of 13 of the GLI2 gene. This substitution is predicted to create a minor amino acid change from an alanine to a valine at position 961 of the protein NP_005261.2(GLI2):p.(Ala961Val). The alanine at this position has low conservation (100 vertebrates, UCSC), and is located within a low complexity region of the protein. In silico software predicts this variant to be benign (Polyphen, SIFT, CADD, Mutation Taster). The variant is absent in the population database, however this region also has low coverage (gnomAD). Two alternative residue changes at the same location, p.(Ala961Ser) and p.(Ala961Asp) have been reported in the gnomAD database at a frequency of 0.0035% and 0.0017% respectively, with a reduced allele count . The variant has not been previously reported in clinical cases. Based on information available at the time of curation, this variant has been classified as a VARIANT of UNCERTAIN SIGNIFICANCE (VUS) with LOW CLINICAL RELEVANCE.

NM_001374353.1(GLI2):c.2831C>T (p.Ala944Val)

Gene: GLI2 (GLI family zinc finger 2; plus strand). Cytogenetic location: 2q14.2.
Variant type: single nucleotide variant.
Coding change: c.2831C>T on transcript NM_001374353.1 (MANE Select); coding-DNA position 2831, C replaced by T.
Protein change: p.Ala944Val; replaces alanine 944 with valine.
Molecular consequence: missense variant.
Genome position (GRCh38, 1-based): chr2:120,988,796, C>T. VCF-style: chr2-120988796-C-T. GRCh37 (hg19) VCF-style: chr2-121746372-C-T.
Other names: c.2882C>T, p.Ala961Val (NM_001371271.1, NM_005270.5); c.2456C>T, p.Ala819Val (NM_001374354.1); short protein forms A819V, A944V, A961V.
Identifiers: ClinVar variation 1699108 (VCV001699108.4), dbSNP rs1357813577, ClinGen allele CA348169917.